The following is an entry in ClinVar:

ClinVar aggregate classification (germline): Benign. Review status: criteria provided, multiple submitters, no conflicts (2 of 4 stars). 2 submissions from 2 submitters: Benign (2). Last evaluated 2018-01-12.

Conditions:
Growth delay due to insulin-like growth factor I resistance. Also called: Somatomedin end-organ insensitivity to; Somatomedin-c resistance to; IGF-1 resistance; IGF-I RESISTANCE; Insulin-Like Growth Factor I Resistance. Identifiers: Orphanet 73273, MedGen C1849157, MONDO:0010038, OMIM 270450.

Allele frequency attached by ClinVar (database versions not stated): gnomAD 0.00351 and 0.00451; TOPMed 0.00477; gnomAD exomes 0.00828; 1000 Genomes Project 30x 0.01827; 1000 Genomes Project 0.01897.
gnomAD v4.1: 1,347 of 233,398 alleles (0.58%); highest among the groups gnomAD compares: East Asian, 7%; 45 homozygotes.

Submissions (2):

Illumina Laboratory Services, Illumina
Classification: Benign for Growth delay due to insulin-like growth factor I resistance. Last evaluated: 2018-01-12. Review status: criteria provided, single submitter. Criteria: ICSL Variant Classification Criteria 13 December 2019. Collection method: clinical testing. Allele origin: germline.
Comment: This variant was observed in the ICSL laboratory as part of a predisposition screen in an ostensibly healthy population. It had not been previously curated by ICSL or reported in the Human Gene Mutation Database (HGMD: prior to June 1st, 2018), and was therefore a candidate for classification through an automated scoring system. Utilizing variant allele frequency, disease prevalence and penetrance estimates, and inheritance mode, an automated score was calculated to assess if this variant is too frequent to cause the disease. Based on the score and internal cut-off values, a variant classified as benign is not then subjected to further curation. The score for this variant resulted in a classification of benign for this disease.

Breakthrough Genomics
Classification: Benign. Review status: criteria provided, single submitter. Criteria: ACMG Guidelines, 2015. Collection method: not provided. Allele origin: germline. Inheritance: Autosomal dominant inheritance. Affected: yes.

NM_000875.5(IGF1R):c.*3074G>A

Gene: IGF1R (insulin like growth factor 1 receptor; plus strand). Cytogenetic location: 15q26.3.
Variant type: single nucleotide variant.
Coding change: c.*3074G>A on transcript NM_000875.5 (MANE Select); 3074 bases downstream of the stop codon, G replaced by A.
Molecular consequence: 3 prime UTR variant.
Genome position (GRCh38, 1-based): chr15:98,960,516, G>A. VCF-style: chr15-98960516-G-A. GRCh37 (hg19) VCF-style: chr15-99503745-G-A.
Other names: c.*3074G>A (NM_001291858.2).
Identifiers: ClinVar variation 317545 (VCV000317545.6), dbSNP rs2002880, ClinGen allele CA10636807.
Genomic context (GRCh38, chr15:98,960,516, plus strand): 5'-ATGGAATGACCAACACATTTCGTCCTTAAGAGAGCAGTGGTTCCTCAGGTTCTGAGGAGA[G>A]GAAGGTGTCCAGGCAGCACCATCTCTGTGCGAATCCCCAGGGTAAAGGCGTGGGGCATTG-3'